The following is an entry in ClinVar:

ClinVar aggregate classification (germline): Uncertain significance (1 of 4 stars; one submission).

gnomAD v4.1: 6 of 1,610,048 alleles (0.00037%); highest among the groups gnomAD compares: Admixed American, 0.0067%; no homozygotes.

Submission:

Labcorp Genetics (formerly Invitae), Labcorp
Classification: Uncertain significance. Last evaluated: 2022-07-19. Review status: criteria provided, single submitter. Criteria: Invitae Variant Classification Sherloc (09022015). Collection method: clinical testing. Allele origin: germline.
Comment: This sequence change falls in intron 5 of the DNASE1L3 gene. It does not directly change the encoded amino acid sequence of the DNASE1L3 protein. It affects a nucleotide within the consensus splice site. This variant is present in population databases (rs3772985, gnomAD 0.003%). This variant has not been reported in the literature in individuals affected with DNASE1L3-related conditions. Variants that disrupt the consensus splice site are a relatively common cause of aberrant splicing (PMID: 17576681, 9536098). Algorithms developed to predict the effect of sequence changes on RNA splicing suggest that this variant is not likely to affect RNA splicing. In summary, the available evidence is currently insufficient to determine the role of this variant in disease. Therefore, it has been classified as a Variant of Uncertain Significance.

Literature cited by the submitters: PubMed 17576681; PubMed 9536098.

NM_004944.4(DNASE1L3):c.546+5G>C

Gene: DNASE1L3 (deoxyribonuclease 1L3; minus strand). Cytogenetic location: 3p14.3.
Variant type: single nucleotide variant.
Coding change: c.546+5G>C on transcript NM_004944.4 (MANE Select); 5 bases into the intron after coding-DNA position 546, G replaced by C.
Molecular consequence: intron variant.
Genome position (GRCh38, 1-based): chr3:58,200,992, C>G on the plus strand (G>C on the coding strand, the complement: DNASE1L3 is on the minus strand). VCF-style: chr3-58200992-C-G. GRCh37 (hg19) VCF-style: chr3-58186719-C-G.
Other names: c.456+5G>C (NM_001256560.2).
Identifiers: ClinVar variation 1896893 (VCV001896893.2), dbSNP rs3772985, ClinGen allele CA2469945.